The following is an entry in ClinVar:

NM_017547.4(FOXRED1):c.-2T>C

Genes: FOXRED1 (FAD dependent oxidoreductase domain containing 1; plus strand), LOC130007026 (ATAC-STARR-seq lymphoblastoid active region 5705; plus strand). Cytogenetic location: 11q24.2.
Variant type: single nucleotide variant.
Coding change: c.-2T>C on transcript NM_017547.4 (MANE Select); 2 bases upstream of the start codon, T replaced by C.
Molecular consequence: 5 prime UTR variant. On other transcripts: non-coding transcript variant (2).
Genome position (GRCh38, 1-based): chr11:126,269,205, T>C. VCF-style: chr11-126269205-T-C. GRCh37 (hg19) VCF-style: chr11-126139100-T-C.
Identifiers: ClinVar variation 303532 (VCV000303532.13), dbSNP rs1786702, ClinGen allele CA6353909.

ClinVar aggregate classification (germline): Benign. Review status: criteria provided, multiple submitters, no conflicts (2 of 4 stars). 6 submissions from 6 submitters: Benign (5). 1 of the submissions does not count toward it. Last evaluated 2024-11-27.

Conditions:
Mitochondrial complex I deficiency, nuclear type 1. Also called: NADH-COENZYME Q REDUCTASE DEFICIENCY; MITOCHONDRIAL NADH DEHYDROGENASE COMPONENT OF COMPLEX I, DEFICIENCY OF. Identifiers: MedGen C6022305, MONDO:0100224, OMIM 252010.
Mitochondrial complex I deficiency, nuclear type 19. Also called: Mitochondrial complex 1 deficiency, nuclear type 19. Identifiers: MedGen C4748791, MONDO:0032624, OMIM 618241.

Allele frequency attached by ClinVar (database versions not stated): TOPMed 0.71685; gnomAD 0.72738 and 0.71634; 1000 Genomes Project 30x 0.77592; gnomAD exomes 0.77741 and 0.79594; 1000 Genomes Project 0.78614; ExAC 0.78907; ESP Exome Variant Server 0.69488.

Submissions (6):

Blueprint Genetics
Classification: Benign. Last evaluated: 2024-11-27. Review status: criteria provided, single submitter. Criteria: ACMG Guidelines, 2015. Collection method: clinical testing. Allele origin: germline.

Genome-Nilou Lab
Classification: Benign for Mitochondrial complex I deficiency, nuclear type 19. Last evaluated: 2021-08-10. Review status: criteria provided, single submitter. Criteria: ACMG Guidelines, 2015. Collection method: clinical testing. Allele origin: germline. Affected: no.

Illumina Laboratory Services, Illumina
Classification: Benign for Mitochondrial complex I deficiency, nuclear type 1. Last evaluated: 2018-01-13. Review status: criteria provided, single submitter. Criteria: ICSL Variant Classification Criteria 13 December 2019. Collection method: clinical testing. Allele origin: germline.
Comment: This variant was observed in the ICSL laboratory as part of a predisposition screen in an ostensibly healthy population. It had not been previously curated by ICSL or reported in the Human Gene Mutation Database (HGMD: prior to June 1st, 2018), and was therefore a candidate for classification through an automated scoring system. Utilizing variant allele frequency, disease prevalence and penetrance estimates, and inheritance mode, an automated score was calculated to assess if this variant is too frequent to cause the disease. Based on the score and internal cut-off values, a variant classified as benign is not then subjected to further curation. The score for this variant resulted in a classification of benign for this disease.

GeneDx
Classification: Benign. Last evaluated: 2015-03-03. Review status: criteria provided, single submitter. Criteria: GeneDx Variant Classification Process June 2021. Collection method: clinical testing. Allele origin: germline. Affected: yes.

Breakthrough Genomics
Classification: Benign. Review status: criteria provided, single submitter. Criteria: ACMG Guidelines, 2015. Collection method: not provided. Allele origin: germline. Inheritance: Autosomal recessive inheritance. Affected: yes.

Mayo Clinic Laboratories, Mayo Clinic
Classification: Benign. Last evaluated: 2016-02-15. Review status: no assertion criteria provided. Collection method: clinical testing. Allele origin: unknown. Not counted in ClinVar's aggregate classification.